The following is an entry in ClinVar:

NM_001401501.2(MUC16):c.39414C>A (p.Ala13138=)

Gene: MUC16 (mucin 16, cell surface associated; minus strand). Cytogenetic location: 19p13.2.
Variant type: single nucleotide variant.
Coding change: c.39414C>A on transcript NM_001401501.2 (MANE Select); coding-DNA position 39414, C replaced by A.
Protein change: p.Ala13138=; no amino-acid change (alanine 13138 retained).
Molecular consequence: synonymous variant.
Genome position (GRCh38, 1-based): chr19:8,897,648, G>T on the plus strand (C>A on the coding strand, the complement: MUC16 is on the minus strand). VCF-style: chr19-8897648-G-T. GRCh37 (hg19) VCF-style: chr19-9008324-G-T.
Other names: c.39840C>A, p.Ala13280= (NM_001414686.1); c.39294C>A, p.Ala13098= (NM_001414687.1); c.39228C>A, p.Ala13076= (NM_024690.2).
Identifiers: ClinVar variation 3039065 (VCV003039065.2), dbSNP rs79709975, ClinGen allele CA305080077.

ClinVar aggregate classification (germline): Benign (0 of 4 stars; one submission).

Conditions:
MUC16-related disorder. Also called: MUC16-related condition.

Allele frequency attached by ClinVar (database versions not stated): 1000 Genomes Project 30x 0.21112.

Submission:

PreventionGenetics, part of Exact Sciences
Classification: Benign for MUC16-related condition. Last evaluated: 2019-03-21. Review status: no assertion criteria provided. Collection method: clinical testing. Allele origin: germline.
Comment: This variant is classified as benign based on ACMG/AMP sequence variant interpretation guidelines (Richards et al. 2015 PMID: 25741868, with internal and published modifications).